The following is an entry in ClinVar:

ClinVar aggregate classification (germline): Likely benign (1 of 4 stars; one submission).

Allele frequency attached by ClinVar (database versions not stated): 1000 Genomes Project 30x 0.00062; 1000 Genomes Project 0.00080; gnomAD 0.00104; ExAC 0.00113; ESP Exome Variant Server 0.00115; TOPMed 0.00128; gnomAD exomes 0.00146.

Submission:

CeGaT Center for Human Genetics Tuebingen
Classification: Likely benign. Last evaluated: 2023-03-01. Review status: criteria provided, single submitter. Criteria: CeGaT Center For Human Genetics Tuebingen Variant Classification Criteria Version 2. Collection method: clinical testing. Allele origin: germline. Affected: yes. Observed: 1 variant allele.
Comment: MYBBP1A: BS2

NM_014520.4(MYBBP1A):c.1000G>A (p.Gly334Arg)

Gene: MYBBP1A (MYB binding protein 1a; minus strand). Cytogenetic location: 17p13.2.
Variant type: single nucleotide variant.
Coding change: c.1000G>A on transcript NM_014520.4 (MANE Select); coding-DNA position 1000, G replaced by A.
Protein change: p.Gly334Arg; replaces glycine 334 with arginine.
Molecular consequence: missense variant.
Genome position (GRCh38, 1-based): chr17:4,551,903, C>T on the plus strand (G>A on the coding strand, the complement: MYBBP1A is on the minus strand). VCF-style: chr17-4551903-C-T. GRCh37 (hg19) VCF-style: chr17-4455198-C-T.
Other names: c.1000G>A, p.Gly334Arg (NM_001105538.2); short protein forms G334R.
Identifiers: ClinVar variation 2647263 (VCV002647263.24), dbSNP rs138633396, ClinGen allele CA8305320.
Genomic context (GRCh38, chr17:4,551,903, plus strand): 5'-CTTTCTGGCAGTGTCGAGCTGCACGGGCATTACCCACCTTAGCAGTGCACACGTGCTCCC[C>T]GTAATGGCGGATCACGTCTCCCTGCATCACCAGGTGCAGCTGCTCCTTGGTCAGCAGGGG-3'
Protein context (NP_055335.2, residues 324-344): VMQGDVIRHY[Gly334Arg]EHVCTAKLPK